The following is an entry in ClinVar:

NM_031443.4(CCM2):c.980A>G (p.Asn327Ser)

Gene: CCM2 (CCM2 scaffold protein; plus strand). Cytogenetic location: 7p13.
Variant type: single nucleotide variant.
Coding change: c.980A>G on transcript NM_031443.4 (MANE Select); coding-DNA position 980, A replaced by G.
Protein change: p.Asn327Ser; replaces asparagine 327 with serine.
Molecular consequence: missense variant. On other transcripts: non-coding transcript variant (1).
Genome position (GRCh38, 1-based): chr7:45,074,334, A>G. VCF-style: chr7-45074334-A-G. GRCh37 (hg19) VCF-style: chr7-45113933-A-G.
Other names: c.1043A>G, p.Asn348Ser (NM_001029835.2); c.806A>G, p.Asn269Ser (NM_001167934.2); c.707A>G, p.Asn236Ser (NM_001167935.2); c.1103A>G, p.Asn368Ser (NM_001363458.2); c.929A>G, p.Asn310Ser (NM_001363459.2); short protein forms N269S, N310S, N236S, N348S, N368S, N327S.
Identifiers: ClinVar variation 668637 (VCV000668637.25), dbSNP rs150428392, ClinGen allele CA4247226.

ClinVar aggregate classification (germline): Benign/Likely benign. Review status: criteria provided, multiple submitters, no conflicts (2 of 4 stars). 5 submissions from 5 submitters: Benign (1); Likely benign (4). Last evaluated 2024-09-19.

Conditions:
Cerebral cavernous malformation 2. Also called: Familial Cerebral Cavernous Malformation 2. Identifiers: Orphanet 221061, MedGen C1864041, MONDO:0011304, OMIM 603284.

Allele frequency attached by ClinVar (database versions not stated): ESP Exome Variant Server 0.00015; TOPMed 0.00018; 1000 Genomes Project 30x 0.00031; 1000 Genomes Project 0.00040; gnomAD exomes 0.00065 and 0.00130; ExAC 0.00099; gnomAD 0.00123 and 0.00128.
gnomAD v4.1: 1,109 of 1,613,752 alleles (0.069%); highest among the groups gnomAD compares: Non-Finnish European, 0.03%; 6 homozygotes.

Submissions (5):

Blueprint Genetics
Classification: Likely benign. Last evaluated: 2024-09-19. Review status: criteria provided, single submitter. Criteria: ACMG Guidelines, 2015. Collection method: clinical testing. Allele origin: germline.

CeGaT Center for Human Genetics Tuebingen
Classification: Likely benign. Last evaluated: 2024-07-01. Review status: criteria provided, single submitter. Criteria: CeGaT Center For Human Genetics Tuebingen Variant Classification Criteria Version 2. Collection method: clinical testing. Allele origin: germline. Affected: yes. Observed: 1 variant allele.
Comment: CCM2: BP4

Labcorp Genetics (formerly Invitae), Labcorp
Classification: Benign for Cerebral cavernous malformation 2. Last evaluated: 2023-12-07. Review status: criteria provided, single submitter. Criteria: Invitae Variant Classification Sherloc (09022015). Collection method: clinical testing. Allele origin: germline.

ARUP Laboratories, Molecular Genetics and Genomics, ARUP Laboratories
Classification: Likely benign for Cerebral cavernous malformation 2. Last evaluated: 2023-04-27. Review status: criteria provided, single submitter. Criteria: ARUP Molecular Germline Variant Investigation Process 2024. Collection method: clinical testing. Allele origin: germline.

GeneDx
Classification: Likely benign. Last evaluated: 2018-05-21. Review status: criteria provided, single submitter. Criteria: GeneDx Variant Classification (06012015). Collection method: clinical testing. Allele origin: germline. Affected: yes.
Comment: This variant is considered likely benign or benign based on one or more of the following criteria: it is a conservative change, it occurs at a poorly conserved position in the protein, it is predicted to be benign by multiple in silico algorithms, and/or has population frequency not consistent with disease.